The following is an entry in ClinVar:

NM_001008537.3(NEXMIF):c.4082G>A (p.Ser1361Asn)

Gene: NEXMIF (neurite extension and migration factor; minus strand). Cytogenetic location: Xq13.3.
Variant type: single nucleotide variant.
Coding change: c.4082G>A on transcript NM_001008537.3 (MANE Select); coding-DNA position 4082, G replaced by A.
Protein change: p.Ser1361Asn; replaces serine 1361 with asparagine.
Molecular consequence: missense variant.
Genome position (GRCh38, 1-based): chrX:74,740,475, C>T on the plus strand (G>A on the coding strand, the complement: NEXMIF is on the minus strand). VCF-style: chrX-74740475-C-T. GRCh37 (hg19) VCF-style: chrX-73960310-C-T.
Other names: short protein forms S1361N.
Identifiers: ClinVar variation 4882464 (VCV004882464.2).

ClinVar aggregate classification (germline): Uncertain significance (1 of 4 stars; one submission).

gnomAD v4.1: 1 of 1,211,293 alleles (0.000083%); highest among the groups gnomAD compares: African/African-American, 0.0017%; no homozygotes.

Submission:

Dasa
Classification: Uncertain significance. Last evaluated: 2026-01-12. Review status: criteria provided, single submitter. Criteria: DASA Assertion Criteria. Collection method: clinical testing. Allele origin: germline.
Comment: NM_001008537.3(NEXMIF):c.4082G>A (p.Ser1361Asn) is a missense variant that results in the substitution of serine with asparagine. This variant is rare in population databases. The currently available literature and clinical evidence are not sufficient to establish a definitive association between this variant and the reported condition. Therefore, this variant is classified as a variant of uncertain significance.